The following is an entry in ClinVar:

ClinVar aggregate classification (germline): Uncertain significance (1 of 4 stars; one submission).

gnomAD v4.1: 3 of 1,610,710 alleles (0.00019%); highest among the groups gnomAD compares: Non-Finnish European, 0.00017%; no homozygotes.

Submission:

GeneDx
Classification: Uncertain significance. Last evaluated: 2025-01-14. Review status: criteria provided, single submitter. Criteria: GeneDx Variant Classification Process June 2021. Collection method: clinical testing. Allele origin: germline. Affected: yes.
Comment: Not observed at significant frequency in large population cohorts (gnomAD); In silico analysis indicates that this missense variant does not alter protein structure/function; Has not been previously published as pathogenic or benign to our knowledge

NM_020706.2(SCAF4):c.2326A>G (p.Thr776Ala)

Gene: SCAF4 (SR-related CTD associated factor 4; minus strand). Cytogenetic location: 21q22.11.
Variant type: single nucleotide variant.
Coding change: c.2326A>G on transcript NM_020706.2 (MANE Select); coding-DNA position 2326, A replaced by G.
Protein change: p.Thr776Ala; replaces threonine 776 with alanine.
Molecular consequence: missense variant. On other transcripts: intron variant (1).
Genome position (GRCh38, 1-based): chr21:31,685,211, T>C on the plus strand (A>G on the coding strand, the complement: SCAF4 is on the minus strand). VCF-style: chr21-31685211-T-C. GRCh37 (hg19) VCF-style: chr21-33057524-T-C.
Other names: c.2281A>G, p.Thr761Ala (NM_001145444.1); c.2297-37A>G (NM_001145445.1); short protein forms T761A, T776A.
Identifiers: ClinVar variation 4057180 (VCV004057180.1).